The following is an entry in ClinVar:

ClinVar aggregate classification (germline): Pathogenic (1 of 4 stars; one submission).

Submission:

Labcorp Genetics (formerly Invitae), Labcorp
Classification: Pathogenic. Last evaluated: 2026-01-04. Review status: criteria provided, single submitter. Criteria: Invitae Variant Classification Sherloc (09022015). Collection method: clinical testing. Allele origin: germline.
Comment: This sequence change creates a premature translational stop signal (p.Asp489Argfs*33) in the IMPDH1 gene. It is expected to result in an absent or disrupted protein product. Loss-of-function variants in IMPDH1 are known to be pathogenic (PMID: 14981049, 33090715). This variant is not present in population databases (gnomAD no frequency). This variant has not been reported in the literature in individuals affected with IMPDH1-related conditions. For these reasons, this variant has been classified as Pathogenic.

Literature cited by the submitters: PubMed 14981049; PubMed 33090715.

NM_000883.4(IMPDH1):c.1464dup (p.Asp489fs)

Gene: IMPDH1 (inosine monophosphate dehydrogenase 1; minus strand). Cytogenetic location: 7q32.1.
Variant type: Duplication.
Coding change: c.1464dup on transcript NM_000883.4 (MANE Select); coding-DNA position 1464, one base duplicated (A; older notation c.1464dupA).
Protein change: p.Asp489fs; shifts the reading frame from aspartic acid 489.
Molecular consequence: frameshift variant.
Genome position (GRCh38, 1-based): chr7:128,394,975, T duplicated on the plus strand (A on the coding strand, the reverse complement: IMPDH1 is on the minus strand). VCF-style (leftmost placement, unchanged base first): chr7-128394974-C-CT. GRCh37 (hg19) VCF-style: chr7-128035028-C-CT.
Other names: c.1434dup, p.Asp479fs (NM_001102605.2); c.1209dup, p.Asp404fs (NM_001142573.2); c.1194dup, p.Asp399fs (NM_001142574.2); c.1134dup, p.Asp379fs (NM_001142575.2); c.1365dup, p.Asp456fs (NM_001142576.2); c.1257dup, p.Asp420fs (NM_001304521.2); c.1356dup, p.Asp453fs (NM_183243.3); short protein forms D399fs, D379fs, D420fs, D453fs, D479fs, D404fs, D456fs, D489fs.
Identifiers: ClinVar variation 4728914 (VCV004728914.1).